The following is an entry in ClinVar:

NM_020911.2(PLXNA4):c.492C>T (p.Asn164=)

Gene: PLXNA4 (plexin A4; minus strand). Cytogenetic location: 7q32.3.
Variant type: single nucleotide variant.
Coding change: c.492C>T on transcript NM_020911.2 (MANE Select); coding-DNA position 492, C replaced by T.
Protein change: p.Asn164=; no amino-acid change (asparagine 164 retained).
Molecular consequence: synonymous variant.
Genome position (GRCh38, 1-based): chr7:132,508,202, G>A on the plus strand (C>T on the coding strand, the complement: PLXNA4 is on the minus strand). VCF-style: chr7-132508202-G-A. GRCh37 (hg19) VCF-style: chr7-132192961-G-A.
Other names: c.492C>T, p.Asn164= (NM_001105543.2, NM_001393897.1, NM_181775.4).
Identifiers: ClinVar variation 3032135 (VCV003032135.2), dbSNP rs755930438, ClinGen allele CA4490493.

ClinVar aggregate classification (germline): Likely benign (0 of 4 stars; one submission).

Conditions:
PLXNA4-related disorder. Also called: PLXNA4-related condition.

Allele frequency attached by ClinVar (database versions not stated): ExAC 0.00003; gnomAD 0.00003; TOPMed 0.00004.
gnomAD v4.1: 25 of 1,614,084 alleles (0.0015%); highest among the groups gnomAD compares: Admixed American, 0.013%; no homozygotes.

Submission:

PreventionGenetics, part of Exact Sciences
Classification: Likely benign for PLXNA4-related condition. Last evaluated: 2021-11-13. Review status: no assertion criteria provided. Collection method: clinical testing. Allele origin: germline.
Comment: This variant is classified as likely benign based on ACMG/AMP sequence variant interpretation guidelines (Richards et al. 2015 PMID: 25741868, with internal and published modifications).